The following is an entry in ClinVar:

ClinVar aggregate classification (germline): Uncertain significance (1 of 4 stars; one submission).

Conditions:
3-methylcrotonyl-CoA carboxylase 2 deficiency. Also called: METHYLCROTONYLGLYCINURIA, TYPE II; 3 alpha methylcrotonyl-CoA carboxylase 2 deficiency; 3 alpha methylcrotonylglycinuria 2; MCC 2 deficiency; Methylcrotonylglycinuria type 2. Identifiers: Orphanet 6, MedGen C1859499, MONDO:0008862, OMIM 210210.

Submission:

Labcorp Genetics (formerly Invitae), Labcorp
Classification: Uncertain significance for 3-methylcrotonyl-CoA carboxylase 2 deficiency. Last evaluated: 2022-06-23. Review status: criteria provided, single submitter. Criteria: Invitae Variant Classification Sherloc (09022015). Collection method: clinical testing. Allele origin: germline.
Comment: In summary, the available evidence is currently insufficient to determine the role of this variant in disease. Therefore, it has been classified as a Variant of Uncertain Significance. Algorithms developed to predict the effect of missense changes on protein structure and function (SIFT, PolyPhen-2, Align-GVGD) all suggest that this variant is likely to be tolerated. This variant has not been reported in the literature in individuals affected with MCCC2-related conditions. This variant is not present in population databases (gnomAD no frequency). This sequence change replaces glutamine, which is neutral and polar, with lysine, which is basic and polar, at codon 153 of the MCCC2 protein (p.Gln153Lys).

NM_022132.5(MCCC2):c.457C>A (p.Gln153Lys)

Gene: MCCC2 (methylcrotonyl-CoA carboxylase subunit 2; plus strand). Cytogenetic location: 5q13.2.
Variant type: single nucleotide variant.
Coding change: c.457C>A on transcript NM_022132.5 (MANE Select); coding-DNA position 457, C replaced by A.
Protein change: p.Gln153Lys; replaces glutamine 153 with lysine.
Molecular consequence: missense variant.
Genome position (GRCh38, 1-based): chr5:71,602,579, C>A. VCF-style: chr5-71602579-C-A. GRCh37 (hg19) VCF-style: chr5-70898406-C-A.
Other names: c.457C>A, p.Gln153Lys (NM_001363147.1); short protein forms Q153K.
Identifiers: ClinVar variation 2009871 (VCV002009871.4), dbSNP rs2530733674, ClinGen allele CA360010734.